The following is an entry in ClinVar:

ClinVar aggregate classification (germline): Uncertain significance (1 of 4 stars; one submission).

Conditions:
Charcot-Marie-Tooth disease type 4. Also called: Charcot-Marie-Tooth disease, type IV; Charcot-Marie-Tooth, Type 4. Identifiers: Orphanet 64749, MedGen C4082197, MONDO:0018995.

Allele frequency attached by ClinVar (database versions not stated): gnomAD exomes below 0.00001; ExAC 0.00003; TOPMed 0.00004; gnomAD 0.00005.
gnomAD v4.1: 8 of 1,213,802 alleles (0.00066%); highest among the groups gnomAD compares: African/African-American, 0.01%; no homozygotes.

Submission:

Labcorp Genetics (formerly Invitae), Labcorp
Classification: Uncertain significance for Charcot-Marie-Tooth disease type 4. Last evaluated: 2022-06-13. Review status: criteria provided, single submitter. Criteria: Invitae Variant Classification Sherloc (09022015). Collection method: clinical testing. Allele origin: germline.
Comment: This sequence change replaces aspartic acid, which is acidic and polar, with glycine, which is neutral and non-polar, at codon 330 of the SBF2 protein (p.Asp330Gly). This variant is present in population databases (rs774083800, gnomAD 0.02%). This variant has not been reported in the literature in individuals affected with SBF2-related conditions. Algorithms developed to predict the effect of missense changes on protein structure and function (SIFT, PolyPhen-2, Align-GVGD) all suggest that this variant is likely to be tolerated. Algorithms developed to predict the effect of sequence changes on RNA splicing suggest that this variant may create or strengthen a splice site. In summary, the available evidence is currently insufficient to determine the role of this variant in disease. Therefore, it has been classified as a Variant of Uncertain Significance.

NM_030962.4(SBF2):c.989A>G (p.Asp330Gly)

Gene: SBF2 (SET binding factor 2; minus strand). Cytogenetic location: 11p15.4.
Variant type: single nucleotide variant.
Coding change: c.989A>G on transcript NM_030962.4 (MANE Select); coding-DNA position 989, A replaced by G.
Protein change: p.Asp330Gly; replaces aspartic acid 330 with glycine.
Molecular consequence: missense variant.
Genome position (GRCh38, 1-based): chr11:9,993,985, T>C on the plus strand (A>G on the coding strand, the complement: SBF2 is on the minus strand). VCF-style: chr11-9993985-T-C. GRCh37 (hg19) VCF-style: chr11-10015532-T-C.
Other names: c.989A>G, p.Asp330Gly (NM_001386339.1, NM_001386342.1); short protein forms D330G.
Identifiers: ClinVar variation 2157799 (VCV002157799.1), dbSNP rs774083800, ClinGen allele CA5881941.